The following is an entry in ClinVar:

NM_004655.4(AXIN2):c.812A>G (p.Tyr271Cys)

Gene: AXIN2 (axin 2; minus strand). Cytogenetic location: 17q24.1.
Variant type: single nucleotide variant.
Coding change: c.812A>G on transcript NM_004655.4 (MANE Select); coding-DNA position 812, A replaced by G.
Protein change: p.Tyr271Cys; replaces tyrosine 271 with cysteine.
Molecular consequence: missense variant.
Genome position (GRCh38, 1-based): chr17:65,557,809, T>C on the plus strand (A>G on the coding strand, the complement: AXIN2 is on the minus strand). VCF-style: chr17-65557809-T-C. GRCh37 (hg19) VCF-style: chr17-63553927-T-C.
Other names: c.812A>G, p.Tyr271Cys (NM_001363813.1); short protein forms Y271C.
Identifiers: ClinVar variation 3469981 (VCV003469981.1).

ClinVar aggregate classification (germline): Uncertain significance (1 of 4 stars; one submission).

Conditions:
Hereditary cancer-predisposing syndrome. Also called: Tumor predisposition; Neoplastic Syndromes, Hereditary; Hereditary neoplastic syndrome; Hereditary Cancer Syndrome. Identifiers: Orphanet 140162, MedGen C0027672, MeSH D009386, MONDO:0015356.

Submission:

Ambry Genetics
Classification: Uncertain significance for Hereditary cancer-predisposing syndrome. Last evaluated: 2024-07-03. Review status: criteria provided, single submitter. Criteria: Ambry Variant Classification Scheme 2023. Collection method: clinical testing. Allele origin: germline.
Comment: The p.Y271C variant (also known as c.812A>G), located in coding exon 1 of the AXIN2 gene, results from an A to G substitution at nucleotide position 812. The tyrosine at codon 271 is replaced by cysteine, an amino acid with highly dissimilar properties. This amino acid position is conserved. In addition, this alteration is predicted to be tolerated by in silico analysis. Based on the available evidence, the clinical significance of this variant remains unclear.